The following is an entry in ClinVar:

ClinVar aggregate classification (germline): Uncertain significance. Review status: criteria provided, multiple submitters, no conflicts (2 of 4 stars). 4 submissions from 4 submitters: Uncertain significance (4). Last evaluated 2026-01-19.

Conditions:
Gastrointestinal stromal tumor. Also called: Gastrointestinal stroma tumor; Gastrointestinal stromal tumor, somatic. Identifiers: Orphanet 44890, MedGen C0238198, MeSH D046152, MONDO:0011719, OMIM 606764, HP:0100723.
Pheochromocytoma. Also called: MAX-Related Hereditary Paraganglioma-Pheochromocytoma Syndrome. Identifiers: Orphanet 29072, MedGen C0031511, MONDO:0008233, OMIM 171300, HP:0002666.
Pheochromocytoma/paraganglioma syndrome 4. Also called: CAROTID BODY TUMORS AND MULTIPLE EXTRAADRENAL PHEOCHROMOCYTOMAS; PARAGANGLIOMA, FAMILIAL MALIGNANT; PARAGANGLIOMAS, HEREDITARY EXTRAADRENAL; PHEOCHROMOCYTOMA, FAMILIAL EXTRAADRENAL; Paragangliomas 4; SDHB-Related Hereditary Paraganglioma-Pheochromocytoma Syndrome (Paragangliomas 4). Identifiers: Orphanet 29072, MedGen C1861848, MONDO:0007273, OMIM 115310.
Cowden syndrome (CS). Also called: Cowden's disease; Cowden's syndrome; Cowden disease. Identifiers: Orphanet 201, MedGen C0018553, MONDO:0016063. Disease mechanism: gain of function.
Hereditary cancer-predisposing syndrome. Also called: Hereditary Cancer Syndrome; Tumor predisposition; Hereditary neoplastic syndrome; Neoplastic Syndromes, Hereditary. Identifiers: Orphanet 140162, MedGen C0027672, MeSH D009386, MONDO:0015356.

Submissions (4):

Labcorp Genetics (formerly Invitae), Labcorp
Classification: Uncertain significance for Gastrointestinal stromal tumor; Pheochromocytoma/paraganglioma syndrome 4; Pheochromocytoma. Last evaluated: 2026-01-19. Review status: criteria provided, single submitter. Criteria: Invitae Variant Classification Sherloc (09022015). Collection method: clinical testing. Allele origin: germline.
Comment: This sequence change replaces tyrosine, which is neutral and polar, with aspartic acid, which is acidic and polar, at codon 241 of the SDHB protein (p.Tyr241Asp). This variant is not present in population databases (gnomAD no frequency). This missense change has been observed in individual(s) with clinical features of paraganglioma-pheochromocytoma (PGL-PCC) syndrome (PMID: 26729832). ClinVar contains an entry for this variant (Variation ID: 412464). Invitae Evidence Modeling of protein sequence and biophysical properties (such as structural, functional, and spatial information, amino acid conservation, physicochemical variation, residue mobility, and thermodynamic stability) indicates that this missense variant is not expected to disrupt SDHB protein function with a negative predictive value of 80%. In summary, the available evidence is currently insufficient to determine the role of this variant in disease. Therefore, it has been classified as a Variant of Uncertain Significance.

Ambry Genetics
Classification: Uncertain significance for Hereditary cancer-predisposing syndrome. Last evaluated: 2023-11-14. Review status: criteria provided, single submitter. Criteria: Ambry Variant Classification Scheme 2023. Collection method: clinical testing. Allele origin: germline.
Comment: The p.Y241D variant (also known as c.721T>G), located in coding exon 7 of the SDHB gene, results from a T to G substitution at nucleotide position 721. The tyrosine at codon 241 is replaced by aspartic acid, an amino acid with highly dissimilar properties. This variant was identified in at least one patient diagnosed with a paraganglioma (Bugalho MJ et al. BMJ Case Rep, 2016 Jan;2016; Donato S et al. Endocrine, 2019 Aug;65:408-415). This amino acid position is highly conserved in available vertebrate species. In addition, this alteration is predicted to be deleterious by in silico analysis. Since supporting evidence is limited at this time, the clinical significance of this alteration remains unclear.

Baylor Genetics
Classification: Uncertain significance for Gastrointestinal stromal tumor. Last evaluated: 2023-08-07. Review status: criteria provided, single submitter. Criteria: ACMG Guidelines, 2015. Collection method: clinical testing. Allele origin: unknown.

Mendelics
Classification: Uncertain significance for COWDEN SYNDROME 2. Last evaluated: 2018-07-02. Review status: criteria provided, single submitter. Criteria: Mendelics Assertion Criteria 2017. Collection method: clinical testing. Allele origin: unknown.

Literature cited by the submitters: PubMed 26729832 (cited by Labcorp Genetics (formerly Invitae), Labcorp and Ambry Genetics); PubMed 31104306 (cited by Ambry Genetics).

NM_003000.3(SDHB):c.721T>G (p.Tyr241Asp)

Gene: SDHB (succinate dehydrogenase complex iron sulfur subunit B; minus strand). Cytogenetic location: 1p36.13.
Variant type: single nucleotide variant.
Coding change: c.721T>G on transcript NM_003000.3 (MANE Select); coding-DNA position 721, T replaced by G.
Protein change: p.Tyr241Asp; replaces tyrosine 241 with aspartic acid.
Molecular consequence: missense variant.
Genome position (GRCh38, 1-based): chr1:17,022,652, A>C on the plus strand (T>G on the coding strand, the complement: SDHB is on the minus strand). VCF-style: chr1-17022652-A-C. GRCh37 (hg19) VCF-style: chr1-17349147-A-C.
Other names: short protein forms Y241D.
Identifiers: ClinVar variation 412464 (VCV000412464.10), dbSNP rs1060503758, ClinGen allele CA16609910.